The following is an entry in ClinVar:

NM_000257.4(MYH7):c.3139G>A (p.Asp1047Asn)

Gene: MYH7 (myosin heavy chain 7; minus strand). Cytogenetic location: 14q11.2.
Variant type: single nucleotide variant.
Coding change: c.3139G>A on transcript NM_000257.4 (MANE Select); coding-DNA position 3139, G replaced by A.
Protein change: p.Asp1047Asn; replaces aspartic acid 1047 with asparagine.
Molecular consequence: missense variant.
Genome position (GRCh38, 1-based): chr14:23,422,286, C>T on the plus strand (G>A on the coding strand, the complement: MYH7 is on the minus strand). VCF-style: chr14-23422286-C-T. GRCh37 (hg19) VCF-style: chr14-23891495-C-T.
Other names: c.3139G>A, p.Asp1047Asn (NM_001407004.1); short protein forms D1047N.
Identifiers: ClinVar variation 3636024 (VCV003636024.2).

ClinVar aggregate classification (germline): Uncertain significance (1 of 4 stars; one submission).

Conditions:
Hypertrophic cardiomyopathy. Also called: HYPERTROPHIC MYOCARDIOPATHY. Identifiers: Orphanet 217569, MedGen C0007194, MeSH D002312, MONDO:0005045, HP:0001639.

Submission:

Labcorp Genetics (formerly Invitae), Labcorp
Classification: Uncertain significance for Hypertrophic cardiomyopathy. Last evaluated: 2024-09-28. Review status: criteria provided, single submitter. Criteria: Invitae Variant Classification Sherloc (09022015). Collection method: clinical testing. Allele origin: germline.
Comment: This sequence change replaces aspartic acid, which is acidic and polar, with asparagine, which is neutral and polar, at codon 1047 of the MYH7 protein (p.Asp1047Asn). This variant is not present in population databases (gnomAD no frequency). This variant has not been reported in the literature in individuals affected with MYH7-related conditions. Invitae Evidence Modeling of protein sequence and biophysical properties (such as structural, functional, and spatial information, amino acid conservation, physicochemical variation, residue mobility, and thermodynamic stability) indicates that this missense variant is expected to disrupt MYH7 protein function with a positive predictive value of 95%. In summary, the available evidence is currently insufficient to determine the role of this variant in disease. Therefore, it has been classified as a Variant of Uncertain Significance.